The following is an entry in ClinVar:

ClinVar aggregate classification (germline): Conflicting classifications of pathogenicity. Review status: criteria provided, conflicting classifications (1 of 4 stars). 4 submissions from 4 submitters: Uncertain significance (3); Likely benign (1). Last evaluated 2025-11-17.

Conditions:
POLG-related disorder. Also called: POLG-related condition; POLG-Related Disorders; POLG-Related Spectrum Disorders. Identifiers: MedGen C4763519.
Progressive sclerosing poliodystrophy (MTDPS4A). Also called: ALPERS DIFFUSE DEGENERATION OF CEREBRAL GRAY MATTER WITH HEPATIC CIRRHOSIS; Alpers-Huttenlocher Syndrome; ALPERS PROGRESSIVE INFANTILE POLIODYSTROPHY; NEURONAL DEGENERATION OF CHILDHOOD WITH LIVER DISEASE, PROGRESSIVE; Mitochondrial DNA Depletion Syndrome 4A; Alpers-Huttenlocher Syndrome (AHS). Identifiers: Orphanet 726, MedGen C0205710, MONDO:0008758, OMIM 203700.

Allele frequency attached by ClinVar (database versions not stated): gnomAD exomes 0.00001; ExAC 0.00002; TOPMed 0.00002.
gnomAD v4.1: 14 of 1,614,076 alleles (0.00087%); highest among the groups gnomAD compares: Non-Finnish European, 0.000085%; no homozygotes.

Submissions (4):

Labcorp Genetics (formerly Invitae), Labcorp
Classification: Uncertain significance for Progressive sclerosing poliodystrophy. Last evaluated: 2025-11-17. Review status: criteria provided, single submitter. Criteria: Invitae Variant Classification Sherloc (09022015). Collection method: clinical testing. Allele origin: germline.
Comment: This sequence change replaces cysteine, which is neutral and slightly polar, with tryptophan, which is neutral and slightly polar, at codon 533 of the POLG protein (p.Cys533Trp). This variant is present in population databases (rs754246294, gnomAD 0.03%). This variant has not been reported in the literature in individuals affected with POLG-related conditions. ClinVar contains an entry for this variant (Variation ID: 206500). Invitae Evidence Modeling of protein sequence and biophysical properties (such as structural, functional, and spatial information, amino acid conservation, physicochemical variation, residue mobility, and thermodynamic stability) indicates that this missense variant is not expected to disrupt POLG protein function with a negative predictive value of 95%. In summary, the available evidence is currently insufficient to determine the role of this variant in disease. Therefore, it has been classified as a Variant of Uncertain Significance.

Revvity Omics, Revvity
Classification: Uncertain significance. Last evaluated: 2021-11-14. Review status: criteria provided, single submitter. Criteria: ACMG Guidelines, 2015. Collection method: clinical testing. Allele origin: germline.

Illumina Laboratory Services, Illumina
Classification: Uncertain significance for POLG-Related Spectrum Disorders. Last evaluated: 2018-01-13. Review status: criteria provided, single submitter. Criteria: ICSL Variant Classification Criteria 13 December 2019. Collection method: clinical testing. Allele origin: germline.

GeneDx
Classification: Likely benign. Last evaluated: 2012-12-06. Review status: criteria provided, single submitter. Criteria: GeneDx Variant Classification (06012015). Collection method: clinical testing. Allele origin: germline. Affected: yes.
Comment: This variant is considered likely benign or benign based on one or more of the following criteria: it is a conservative change, it occurs at a poorly conserved position in the protein, it is predicted to be benign by multiple in silico algorithms, and/or has population frequency not consistent with disease.

NM_002693.3(POLG):c.1599C>G (p.Cys533Trp)

Gene: POLG (DNA polymerase gamma, catalytic subunit; minus strand). Cytogenetic location: 15q26.1.
Variant type: single nucleotide variant.
Coding change: c.1599C>G on transcript NM_002693.3 (MANE Select); coding-DNA position 1599, C replaced by G.
Protein change: p.Cys533Trp; replaces cysteine 533 with tryptophan.
Molecular consequence: missense variant.
Genome position (GRCh38, 1-based): chr15:89,326,725, G>C on the plus strand (C>G on the coding strand, the complement: POLG is on the minus strand). VCF-style: chr15-89326725-G-C. GRCh37 (hg19) VCF-style: chr15-89869956-G-C.
Other names: p.C533W:TGC>TGG; c.1599C>G, p.Cys533Trp (NM_001126131.2); short protein forms C533W.
Identifiers: ClinVar variation 206500 (VCV000206500.11), dbSNP rs754246294, ClinGen allele CA316646.